The following is an entry in ClinVar:

ClinVar aggregate classification (germline): Uncertain significance. Review status: criteria provided, multiple submitters, no conflicts (2 of 4 stars). 3 submissions from 3 submitters: Uncertain significance (3). Last evaluated 2025-10-07.

Conditions:
Fanconi anemia (FA). Also called: Fanconi's anemia. Identifiers: Orphanet 84, MedGen C0015625, MeSH D005199, MONDO:0019391.

Allele frequency attached by ClinVar (database versions not stated): TOPMed 0.00001.
gnomAD v4.1: 30 of 1,601,970 alleles (0.0019%); highest among the groups gnomAD compares: Non-Finnish European, 0.0026%; no homozygotes.

Submissions (3):

Labcorp Genetics (formerly Invitae), Labcorp
Classification: Uncertain significance for Fanconi anemia. Last evaluated: 2025-10-07. Review status: criteria provided, single submitter. Criteria: Invitae Variant Classification Sherloc (09022015). Collection method: clinical testing. Allele origin: germline.
Comment: This sequence change replaces proline, which is neutral and non-polar, with serine, which is neutral and polar, at codon 1255 of the FANCM protein (p.Pro1255Ser). This variant is not present in population databases (gnomAD no frequency). This variant has not been reported in the literature in individuals affected with FANCM-related conditions. ClinVar contains an entry for this variant (Variation ID: 642778). An algorithm developed to predict the effect of missense changes on protein structure and function (PolyPhen-2) suggests that this variant is likely to be tolerated. In summary, the available evidence is currently insufficient to determine the role of this variant in disease. Therefore, it has been classified as a Variant of Uncertain Significance.

Blueprint Genetics
Classification: Uncertain significance. Last evaluated: 2024-10-24. Review status: criteria provided, single submitter. Criteria: ACMG Guidelines, 2015. Collection method: clinical testing. Allele origin: germline.

GeneDx
Classification: Uncertain significance. Last evaluated: 2022-05-23. Review status: criteria provided, single submitter. Criteria: GeneDx Variant Classification Process June 2021. Collection method: clinical testing. Allele origin: germline. Affected: yes.
Comment: Not observed in large population cohorts (gnomAD); In silico analysis supports that this missense variant does not alter protein structure/function; Has not been previously published as pathogenic or benign to our knowledge

NM_020937.4(FANCM):c.3763C>T (p.Pro1255Ser)

Gene: FANCM (FA complementation group M; plus strand). Cytogenetic location: 14q21.2.
Variant type: single nucleotide variant.
Coding change: c.3763C>T on transcript NM_020937.4 (MANE Select); coding-DNA position 3763, C replaced by T.
Protein change: p.Pro1255Ser; replaces proline 1255 with serine.
Molecular consequence: missense variant.
Genome position (GRCh38, 1-based): chr14:45,176,517, C>T. VCF-style: chr14-45176517-C-T. GRCh37 (hg19) VCF-style: chr14-45645720-C-T.
Other names: c.3763C>T (LRG_502t1); c.3685C>T, p.Pro1229Ser (NM_001308133.2); short protein forms P1255S, P1229S.
Identifiers: ClinVar variation 642778 (VCV000642778.12), dbSNP rs770651053, ClinGen allele CA259628517.